The following is an entry in ClinVar:

ClinVar aggregate classification (germline): Uncertain significance. Review status: criteria provided, multiple submitters, no conflicts (2 of 4 stars). 3 submissions from 3 submitters: Uncertain significance (3). Last evaluated 2025-07-01.

Conditions:
Inborn genetic diseases. Identifiers: MedGen C0950123, MeSH D030342.

Allele frequency attached by ClinVar (database versions not stated): gnomAD exomes below 0.00001; ExAC 0.00001; TOPMed 0.00001.
gnomAD v4.1: 8 of 1,614,124 alleles (0.0005%); highest among the groups gnomAD compares: Middle Eastern, 0.016%; no homozygotes.

Submissions (3):

Ambry Genetics
Classification: Uncertain significance for Inborn genetic diseases. Last evaluated: 2025-07-01. Review status: criteria provided, single submitter. Criteria: Ambry Variant Classification Scheme 2023. Collection method: clinical testing. Allele origin: germline.

Blueprint Genetics
Classification: Uncertain significance. Last evaluated: 2024-06-12. Review status: criteria provided, single submitter. Criteria: ACMG Guidelines, 2015. Collection method: clinical testing. Allele origin: germline.

Labcorp Genetics (formerly Invitae), Labcorp
Classification: Uncertain significance. Last evaluated: 2024-01-19. Review status: criteria provided, single submitter. Criteria: Invitae Variant Classification Sherloc (09022015). Collection method: clinical testing. Allele origin: germline.
Comment: This sequence change replaces tryptophan, which is neutral and slightly polar, with arginine, which is basic and polar, at codon 2618 of the USH2A protein (p.Trp2618Arg). This variant is present in population databases (rs747547953, gnomAD 0.0009%). This variant has not been reported in the literature in individuals affected with USH2A-related conditions. ClinVar contains an entry for this variant (Variation ID: 1393969). Advanced modeling of protein sequence and biophysical properties (such as structural, functional, and spatial information, amino acid conservation, physicochemical variation, residue mobility, and thermodynamic stability) performed at Invitae indicates that this missense variant is not expected to disrupt USH2A protein function with a negative predictive value of 95%. In summary, the available evidence is currently insufficient to determine the role of this variant in disease. Therefore, it has been classified as a Variant of Uncertain Significance.

NM_206933.4(USH2A):c.7852T>C (p.Trp2618Arg)

Gene: USH2A (usherin; minus strand). Cytogenetic location: 1q41.
Variant type: single nucleotide variant.
Coding change: c.7852T>C on transcript NM_206933.4 (MANE Select); coding-DNA position 7852, T replaced by C.
Protein change: p.Trp2618Arg; replaces tryptophan 2618 with arginine.
Molecular consequence: missense variant.
Genome position (GRCh38, 1-based): chr1:215,888,797, A>G on the plus strand (T>C on the coding strand, the complement: USH2A is on the minus strand). VCF-style: chr1-215888797-A-G. GRCh37 (hg19) VCF-style: chr1-216062139-A-G.
Other names: c.7852T>C (NM_206933.2); short protein forms W2618R.
Identifiers: ClinVar variation 1393969 (VCV001393969.8), dbSNP rs747547953, ClinGen allele CA1394731.
Genomic context (GRCh38, chr1:215,888,797, plus strand): 5'-TTGGAGTATCAGAGAACAGCTCTGGACTTGGGATCCCTTCCGGTGCCCCTGGGAGTGTCC[A>G]TACAGTCTGGGACTCTGGTGAAAGGGAACATCCTTTTGAAGTGCAGGCTTCTACCTGAAA-3'
Protein context (NP_996816.3, residues 2608-2628): CSLSPESQTV[Trp2618Arg]TLPGAPEGIP